The following is an entry in ClinVar:

NM_025074.7(FRAS1):c.11056C>G (p.Leu3686Val)

Genes: FRAS1 (Fraser extracellular matrix complex subunit 1; plus strand), LOC126807089 (CDK7 strongly-dependent group 2 enhancer GRCh37_chr4:79455131-79456330; plus strand). Cytogenetic location: 4q21.21.
Variant type: single nucleotide variant.
Coding change: c.11056C>G on transcript NM_025074.7 (MANE Select); coding-DNA position 11056, C replaced by G.
Protein change: p.Leu3686Val; replaces leucine 3686 with valine.
Molecular consequence: missense variant.
Genome position (GRCh38, 1-based): chr4:78,534,579, C>G. VCF-style: chr4-78534579-C-G. GRCh37 (hg19) VCF-style: chr4-79455733-C-G.
Other names: NC_000004.11:g.79455733C>G; short protein forms L3686V.
Identifiers: ClinVar variation 4308119 (VCV004308119.2).

ClinVar aggregate classification (germline): Uncertain significance (1 of 4 stars; one submission).

gnomAD v4.1: 6 of 1,612,852 alleles (0.00037%); highest among the groups gnomAD compares: Admixed American, 0.0083%; no homozygotes.

Submissions (3):

Labcorp Genetics (formerly Invitae), Labcorp
Classification: Uncertain significance. Last evaluated: 2025-05-08. Review status: criteria provided, single submitter. Criteria: Invitae Variant Classification Sherloc (09022015). Collection method: clinical testing. Allele origin: germline.
Comment: This sequence change replaces leucine, which is neutral and non-polar, with valine, which is neutral and non-polar, at codon 3686 of the FRAS1 protein (p.Leu3686Val). This variant is not present in population databases (gnomAD no frequency). This variant has not been reported in the literature in individuals affected with FRAS1-related conditions. Invitae Evidence Modeling of protein sequence and biophysical properties (such as structural, functional, and spatial information, amino acid conservation, physicochemical variation, residue mobility, and thermodynamic stability) indicates that this missense variant is not expected to disrupt FRAS1 protein function with a negative predictive value of 80%. In summary, the available evidence is currently insufficient to determine the role of this variant in disease. Therefore, it has been classified as a Variant of Uncertain Significance.

Dr. Peter K. Rogan Lab, Western University
No classification provided (evidence only). Condition: Thyroid cancer, nonmedullary, 1. Review status: no classification provided. Collection method: in vitro. Allele origin: not applicable. Functional consequence: retained intron. Not counted in ClinVar's aggregate classification.

Dr. Peter K. Rogan Lab, Western University
No classification provided (evidence only). Condition: Ovarian serous cystadenocarcinoma. Review status: no classification provided. Collection method: in vitro. Allele origin: not applicable. Functional consequence: retained intron. Not counted in ClinVar's aggregate classification.